The following is an entry in ClinVar:

ClinVar aggregate classification (germline): Pathogenic (1 of 4 stars; one submission).

gnomAD v4.1: 4 of 1,613,462 alleles (0.00025%); highest among the groups gnomAD compares: Non-Finnish European, 0.00034%; no homozygotes.

Submission:

Labcorp Genetics (formerly Invitae), Labcorp
Classification: Pathogenic. Last evaluated: 2026-01-30. Review status: criteria provided, single submitter. Criteria: Invitae Variant Classification Sherloc (09022015). Collection method: clinical testing. Allele origin: germline.
Comment: This sequence change creates a premature translational stop signal (p.Glu4328*) in the ADGRV1 gene. It is expected to result in an absent or disrupted protein product. Loss-of-function variants in ADGRV1 are known to be pathogenic (PMID: 19357117, 22135276, 22147658, 26226137, 30718709, 31047384, 32467589). This variant is not present in population databases (gnomAD no frequency). This premature translational stop signal has been observed in individual(s) with clinical features of ADGRV1 related conditions (PMID: 32581362). Algorithms developed to predict the effect of sequence changes on RNA splicing suggest that this variant may disrupt the consensus splice site. For these reasons, this variant has been classified as Pathogenic.

Literature cited by the submitters: PubMed 19357117; PubMed 22135276; PubMed 22147658; PubMed 26226137; PubMed 30718709; PubMed 31047384; PubMed 32467589; PubMed 32581362.

NM_032119.4(ADGRV1):c.12982G>T (p.Glu4328Ter)

Gene: ADGRV1 (adhesion G protein-coupled receptor V1; plus strand). Cytogenetic location: 5q14.3.
Variant type: single nucleotide variant.
Coding change: c.12982G>T on transcript NM_032119.4 (MANE Select); coding-DNA position 12982, G replaced by T.
Protein change: p.Glu4328Ter; replaces glutamic acid 4328 with a stop codon.
Molecular consequence: nonsense. On other transcripts: non-coding transcript variant (1).
Genome position (GRCh38, 1-based): chr5:90,778,997, G>T. VCF-style: chr5-90778997-G-T. GRCh37 (hg19) VCF-style: chr5-90074814-G-T.
Other names: short protein forms E4328*.
Identifiers: ClinVar variation 4698264 (VCV004698264.1).
Genomic context (GRCh38, chr5:90,778,997, plus strand): 5'-ACAGCGGAAGCAGGCTTGGATTTTGTTCCTGCAGCAGGGGAGCTCCTCTTTGAAGCAGGG[G>T]AGATGAGGAAAAGTCTGCATGTTGAAATCCTTGATGATGACTATCCTGAAGGCCCAGAGG-3'